The following is an entry in ClinVar:

NM_001127453.2(GSDME):c.842C>T (p.Pro281Leu)

Gene: GSDME (gasdermin E; minus strand). Cytogenetic location: 7p15.3.
Variant type: single nucleotide variant.
Coding change: c.842C>T on transcript NM_001127453.2 (MANE Select); coding-DNA position 842, C replaced by T.
Protein change: p.Pro281Leu; replaces proline 281 with leucine.
Molecular consequence: missense variant.
Genome position (GRCh38, 1-based): chr7:24,710,244, G>A on the plus strand (C>T on the coding strand, the complement: GSDME is on the minus strand). VCF-style: chr7-24710244-G-A. GRCh37 (hg19) VCF-style: chr7-24749863-G-A.
Other names: c.350C>T, p.Pro117Leu (NM_001127454.2); c.842C>T, p.Pro281Leu (NM_004403.3); short protein forms P117L, P281L.
Identifiers: ClinVar variation 3893440 (VCV003893440.1).

ClinVar aggregate classification (germline): Uncertain significance (1 of 4 stars; one submission).

gnomAD v4.1: 5 of 1,613,902 alleles (0.00031%); highest among the groups gnomAD compares: Non-Finnish European, 0.00042%; no homozygotes.

Submission:

GeneDx
Classification: Uncertain significance. Last evaluated: 2024-10-23. Review status: criteria provided, single submitter. Criteria: GeneDx Variant Classification Process June 2021. Collection method: clinical testing. Allele origin: germline. Affected: yes.
Comment: In silico analysis supports that this missense variant has a deleterious effect on protein structure/function; Has not been previously published as pathogenic or benign to our knowledge